The following is an entry in ClinVar:

ClinVar aggregate classification (germline): Uncertain significance (1 of 4 stars; one submission).

Conditions:
Fanconi anemia (FA). Also called: Fanconi's anemia. Identifiers: Orphanet 84, MedGen C0015625, MeSH D005199, MONDO:0019391.

Submission:

Labcorp Genetics (formerly Invitae), Labcorp
Classification: Uncertain significance for Fanconi anemia. Last evaluated: 2020-02-04. Review status: criteria provided, single submitter. Criteria: Invitae Variant Classification Sherloc (09022015). Collection method: clinical testing. Allele origin: germline.
Comment: This sequence change replaces proline with threonine at codon 941 of the FANCA protein (p.Pro941Thr). The proline residue is moderately conserved and there is a small physicochemical difference between proline and threonine. In summary, the available evidence is currently insufficient to determine the role of this variant in disease. Therefore, it has been classified as a Variant of Uncertain Significance. Algorithms developed to predict the effect of missense changes on protein structure and function are either unavailable or do not agree on the potential impact of this missense change (SIFT: "Tolerated"; PolyPhen-2: "Possibly Damaging"; Align-GVGD: "Class C0"). This variant has not been reported in the literature in individuals with FANCA-related conditions. This variant is not present in population databases (ExAC no frequency).

NM_000135.4(FANCA):c.2821C>A (p.Pro941Thr)

Gene: FANCA (FA complementation group A; minus strand). Cytogenetic location: 16q24.3.
Variant type: single nucleotide variant.
Coding change: c.2821C>A on transcript NM_000135.4 (MANE Select); coding-DNA position 2821, C replaced by A.
Protein change: p.Pro941Thr; replaces proline 941 with threonine.
Molecular consequence: missense variant.
Genome position (GRCh38, 1-based): chr16:89,761,980, G>T on the plus strand (C>A on the coding strand, the complement: FANCA is on the minus strand). VCF-style: chr16-89761980-G-T. GRCh37 (hg19) VCF-style: chr16-89828388-G-T.
Other names: c.2821C>A, p.Pro941Thr (NM_001286167.3); short protein forms P941T.
Identifiers: ClinVar variation 1053222 (VCV001053222.9), dbSNP rs2038968162, ClinGen allele CA397433388.
Genomic context (GRCh38, chr16:89,761,980, plus strand): 5'-TGGCCAGGGTAGCTCTTTTCAACACTTACCGTTCAGTATCTGAAAGAGCATCAGCTTCAG[G>T]TTGAATTTCCAGCTCCAGGTGTAACCAGTCTTGGTAAGTTAACTGAGAAAGAGAGCAAGC-3'
Protein context (NP_000126.2, residues 931-951): DWLHLELEIQ[Pro941Thr]EADALSDTER